The following is an entry in ClinVar:

ClinVar aggregate classification (germline): Likely benign. Review status: criteria provided, multiple submitters, no conflicts (2 of 4 stars). 3 submissions from 3 submitters: Likely benign (3). Last evaluated 2026-01-11.

Conditions:
Dilated cardiomyopathy 1G (CMD1G). Identifiers: Orphanet 154, MedGen C1858763, MONDO:0011400, OMIM 604145.
Autosomal recessive limb-girdle muscular dystrophy type 2J (LGMDR10). Also called: MUSCULAR DYSTROPHY, LIMB-GIRDLE, AUTOSOMAL RECESSIVE 10; Limb-girdle muscular dystrophy, type 2J. Identifiers: Orphanet 140922, MedGen C1837342, MONDO:0012127, OMIM 608807.

Allele frequency attached by ClinVar (database versions not stated): gnomAD exomes below 0.00001; TOPMed 0.00006; ESP Exome Variant Server 0.00008; ExAC 0.00002; gnomAD 0.00003 and 0.00004.
gnomAD v4.1: 10 of 1,613,794 alleles (0.00062%); highest among the groups gnomAD compares: African/African-American, 0.0093%; no homozygotes.

Submissions (3):

Labcorp Genetics (formerly Invitae), Labcorp
Classification: Likely benign for Dilated cardiomyopathy 1G; Autosomal recessive limb-girdle muscular dystrophy type 2J. Last evaluated: 2026-01-11. Review status: criteria provided, single submitter. Criteria: Invitae Variant Classification Sherloc (09022015). Collection method: clinical testing. Allele origin: germline.

CeGaT Center for Human Genetics Tuebingen
Classification: Likely benign. Last evaluated: 2024-09-01. Review status: criteria provided, single submitter. Criteria: CeGaT Center For Human Genetics Tuebingen Variant Classification Criteria Version 2. Collection method: clinical testing. Allele origin: germline. Affected: yes. Observed: 1 variant allele.
Comment: TTN: BP4, BP7

GeneDx
Classification: Likely benign. Last evaluated: 2019-07-11. Review status: criteria provided, single submitter. Criteria: GeneDx Variant Classification Process June 2021. Collection method: clinical testing. Allele origin: germline. Affected: yes.

NM_001267550.2(TTN):c.28680C>T (p.Asp9560=)

Gene: TTN (titin; minus strand). Cytogenetic location: 2q31.2.
Variant type: single nucleotide variant.
Coding change: c.28680C>T on transcript NM_001267550.2 (MANE Select); coding-DNA position 28680, C replaced by T.
Protein change: p.Asp9560=; no amino-acid change (aspartic acid 9560 retained).
Molecular consequence: synonymous variant. On other transcripts: intron variant (3).
Genome position (GRCh38, 1-based): chr2:178,709,639, G>A on the plus strand (C>T on the coding strand, the complement: TTN is on the minus strand). VCF-style: chr2-178709639-G-A. GRCh37 (hg19) VCF-style: chr2-179574366-G-A.
Other names: c.27729C>T, p.Asp9243= (NM_001256850.1); c.24948C>T, p.Asp8316= (NM_133378.4); c.13282+28443C>T (NM_003319.4); c.13858+28443C>T (NM_133437.4); c.13657+28443C>T (NM_133432.3).
Identifiers: ClinVar variation 511658 (VCV000511658.26), dbSNP rs377713076, ClinGen allele CA1999552.